The following is an entry in ClinVar:

NM_005876.5(SPEG):c.6772G>T (p.Ala2258Ser)

Genes: ASIC4-AS1 (ASIC4 antisense RNA 1; minus strand), SPEG (striated muscle enriched protein kinase; plus strand). Cytogenetic location: 2q35.
Variant type: single nucleotide variant.
Coding change: c.6772G>T on transcript NM_005876.5 (MANE Select); coding-DNA position 6772, G replaced by T.
Protein change: p.Ala2258Ser; replaces alanine 2258 with serine.
Molecular consequence: missense variant.
Genome position (GRCh38, 1-based): chr2:219,484,235, G>T. VCF-style: chr2-219484235-G-T. GRCh37 (hg19) VCF-style: chr2-220348957-G-T.
Other names: short protein forms A2258S.
Identifiers: ClinVar variation 1941648 (VCV001941648.2), dbSNP rs1004552194, ClinGen allele CA65991572.
Genomic context (GRCh38, chr2:219,484,235, plus strand): 5'-CTAGCGCTGCCCCTCACACCCTATGCTCAGATCATTCAGTCCCTCCAGCTGTCAGGCCAC[G>T]CCCAGGGCCCCTCGCAGGGCCCTGCCGCGCCGCCTTCAGAGCCCAAGCCCCACGCTGCTG-3'
Protein context (NP_005867.3, residues 2248-2268): IIQSLQLSGH[Ala2258Ser]QGPSQGPAAP

ClinVar aggregate classification (germline): Uncertain significance (1 of 4 stars; one submission).

Allele frequency attached by ClinVar (database versions not stated): TOPMed 0.00001.
gnomAD v4.1: 14 of 1,611,350 alleles (0.00087%); highest among the groups gnomAD compares: African/African-American, 0.0013%; no homozygotes.

Submission:

Labcorp Genetics (formerly Invitae), Labcorp
Classification: Uncertain significance. Last evaluated: 2022-09-13. Review status: criteria provided, single submitter. Criteria: Invitae Variant Classification Sherloc (09022015). Collection method: clinical testing. Allele origin: germline.
Comment: This sequence change replaces alanine, which is neutral and non-polar, with serine, which is neutral and polar, at codon 2258 of the SPEG protein (p.Ala2258Ser). This variant is not present in population databases (gnomAD no frequency). This variant has not been reported in the literature in individuals affected with SPEG-related conditions. Algorithms developed to predict the effect of missense changes on protein structure and function output the following: SIFT: "Tolerated"; PolyPhen-2: "Benign"; Align-GVGD: "Class C0". The serine amino acid residue is found in multiple mammalian species, which suggests that this missense change does not adversely affect protein function. In summary, the available evidence is currently insufficient to determine the role of this variant in disease. Therefore, it has been classified as a Variant of Uncertain Significance.